The following is an entry in ClinVar:

NM_004415.4(DSP):c.1960G>A (p.Val654Ile)

Gene: DSP (desmoplakin; plus strand). Cytogenetic location: 6p24.3.
Variant type: single nucleotide variant.
Coding change: c.1960G>A on transcript NM_004415.4 (MANE Select); coding-DNA position 1960, G replaced by A.
Protein change: p.Val654Ile; replaces valine 654 with isoleucine.
Molecular consequence: missense variant.
Genome position (GRCh38, 1-based): chr6:7,571,898, G>A. VCF-style: chr6-7571898-G-A. GRCh37 (hg19) VCF-style: chr6-7572131-G-A.
Other names: c.1960G>A (LRG_423t1); c.1960G>A, p.Val654Ile (NM_001008844.3, NM_001319034.2); short protein forms V654I.
Identifiers: ClinVar variation 655661 (VCV000655661.18), dbSNP rs375629257, ClinGen allele CA030930.

ClinVar aggregate classification (germline): Conflicting classifications of pathogenicity. Review status: criteria provided, conflicting classifications (1 of 4 stars). 4 submissions from 4 submitters: Uncertain significance (2); Likely benign (2). Last evaluated 2026-01-10.

Conditions:
Arrhythmogenic cardiomyopathy with wooly hair and keratoderma. Also called: Arrhythmogenic cardiomyopathy with woolly hair and keratoderma; Carvajal syndrome; PALMOPLANTAR KERATODERMA WITH LEFT VENTRICULAR CARDIOMYOPATHY AND WOOLLY HAIR; Dilated cardiomyopathy with woolly hair and keratoderma. Identifiers: Orphanet 65282, MedGen C1854063, MONDO:0011581, OMIM 605676.
Arrhythmogenic right ventricular dysplasia 8 (ARVD8). Also called: Arrhythmogenic Right Ventricular Dysplasia/Cardiomyopathy 8; ARRHYTHMOGENIC RIGHT VENTRICULAR DYSPLASIA, FAMILIAL, 8; ARRHYTHMOGENIC RIGHT VENTRICULAR CARDIOMYOPATHY 8. Identifiers: MedGen C1843896, MONDO:0011831, OMIM 607450.
Woolly hair-skin fragility syndrome (WHSF). Identifiers: Orphanet 293165, MedGen C1843292, MONDO:0957307, OMIM 620415.
Keratosis palmoplantaris striata 2. Also called: KERATODERMA, PALMOPLANTAR, STRIATE FORM II; STRIATE PALMOPLANTAR KERATODERMA II; Keratosis palmoplantaris striata II. Identifiers: MedGen C1852127, MONDO:0013034, OMIM 612908.
Lethal acantholytic epidermolysis bullosa (EBLA). Identifiers: Orphanet 158687, MedGen C1864826, MONDO:0012323, OMIM 609638.
Cardiomyopathy, dilated, with wooly hair, keratoderma, and tooth agenesis. Also called: Cardiomyopathy, dilated, with woolly hair, keratoderma, and tooth agenesis; Erythrokeratodermia-cardiomyopathy syndrome. Identifiers: Orphanet 476096, Orphanet 65282, MedGen C4014393, MONDO:0014355, OMIM 615821.
Cardiomyopathy (CMYO). Also called: Cardiomyopathies. Identifiers: Orphanet 167848, MedGen C0878544, MONDO:0004994, HP:0001638. Inheritance: Various modes of inheritance.

Allele frequency attached by ClinVar (database versions not stated): gnomAD exomes 0.00003 and 0.00001; gnomAD 0.00001 and 0.00002; ExAC 0.00002; TOPMed 0.00002; ESP Exome Variant Server 0.00015.
gnomAD v4.1: 40 of 1,613,896 alleles (0.0025%); highest among the groups gnomAD compares: Non-Finnish European, 0.0033%; no homozygotes.

Submissions (4):

Labcorp Genetics (formerly Invitae), Labcorp
Classification: Likely benign for Arrhythmogenic cardiomyopathy with wooly hair and keratoderma; Arrhythmogenic right ventricular dysplasia 8. Last evaluated: 2026-01-10. Review status: criteria provided, single submitter. Criteria: Invitae Variant Classification Sherloc (09022015). Collection method: clinical testing. Allele origin: germline.

Color Diagnostics, LLC DBA Color Health
Classification: Likely benign for Cardiomyopathy. Last evaluated: 2025-11-10. Review status: criteria provided, single submitter. Criteria: ACMG Guidelines, 2015. Collection method: clinical testing. Allele origin: germline.

All of Us Research Program, National Institutes of Health
Classification: Uncertain significance for Arrhythmogenic cardiomyopathy with wooly hair and keratoderma. Last evaluated: 2024-07-29. Review status: criteria provided, single submitter. Criteria: ACMG Guidelines, 2015. Collection method: clinical testing. Allele origin: germline. Inheritance: Autosomal dominant inheritance. Observed: 13 variant alleles, 13 heterozygotes.
Comment: This missense variant replaces valine with isoleucine at codon 654 of the DSP protein. Computational prediction suggests that this variant may not impact protein structure and function (internally defined REVEL score threshold <= 0.5, PMID: 27666373). To our knowledge, functional studies have not been reported for this variant. This variant has not been reported in individuals affected with cardiovascular disorders in the literature. This variant has been identified in 3/251024 chromosomes in the general population by the Genome Aggregation Database (gnomAD). The available evidence is insufficient to determine the role of this variant in disease conclusively. Therefore, this variant is classified as a Variant of Uncertain Significance.

This study involves interpretation of variants in research participants for the purpose of population health screening. Participant phenotype was not available at the time of variant classification. Additional details can be found in publication PMID: 35346344, PMCID: PMC8962531

Fulgent Genetics
Classification: Uncertain significance for Arrhythmogenic cardiomyopathy with wooly hair and keratoderma; Arrhythmogenic right ventricular dysplasia 8; Lethal acantholytic epidermolysis bullosa; Keratosis palmoplantaris striata 2; Cardiomyopathy, dilated, with wooly hair, keratoderma, and tooth agenesis. Last evaluated: 2021-08-18. Review status: criteria provided, single submitter. Criteria: ACMG Guidelines, 2015. Collection method: clinical testing. Allele origin: unknown.